The following is an entry in ClinVar:

ClinVar aggregate classification (germline): Uncertain significance (1 of 4 stars; one submission).

Submission:

Labcorp Genetics (formerly Invitae), Labcorp
Classification: Uncertain significance. Last evaluated: 2022-02-10. Review status: criteria provided, single submitter. Criteria: Invitae Variant Classification Sherloc (09022015). Collection method: clinical testing. Allele origin: germline.
Comment: In summary, the available evidence is currently insufficient to determine the role of this variant in disease. Therefore, it has been classified as a Variant of Uncertain Significance. Algorithms developed to predict the effect of missense changes on protein structure and function are either unavailable or do not agree on the potential impact of this missense change (SIFT: "Tolerated"; PolyPhen-2: "Possibly Damaging"; Align-GVGD: "Class C15"). This variant has not been reported in the literature in individuals affected with RAI1-related conditions. This variant is present in population databases (no rsID available, gnomAD 0.0009%). This sequence change replaces serine, which is neutral and polar, with cysteine, which is neutral and slightly polar, at codon 971 of the RAI1 protein (p.Ser971Cys).

NM_030665.4(RAI1):c.2912C>G (p.Ser971Cys)

Gene: RAI1 (retinoic acid induced 1; plus strand). Cytogenetic location: 17p11.2.
Variant type: single nucleotide variant.
Coding change: c.2912C>G on transcript NM_030665.4 (MANE Select); coding-DNA position 2912, C replaced by G.
Protein change: p.Ser971Cys; replaces serine 971 with cysteine.
Molecular consequence: missense variant.
Genome position (GRCh38, 1-based): chr17:17,795,860, C>G. VCF-style: chr17-17795860-C-G. GRCh37 (hg19) VCF-style: chr17-17699174-C-G.
Other names: short protein forms S971C.
Identifiers: ClinVar variation 1465365 (VCV001465365.8), dbSNP rs1429295079, ClinGen allele CA398552323.